The following is an entry in ClinVar:

NM_002778.4(PSAP):c.41C>T (p.Ala14Val)

Gene: PSAP (prosaposin; minus strand). Cytogenetic location: 10q22.1.
Variant type: single nucleotide variant.
Coding change: c.41C>T on transcript NM_002778.4 (MANE Select); coding-DNA position 41, C replaced by T.
Protein change: p.Ala14Val; replaces alanine 14 with valine.
Molecular consequence: missense variant.
Genome position (GRCh38, 1-based): chr10:71,834,505, G>A on the plus strand (C>T on the coding strand, the complement: PSAP is on the minus strand). VCF-style: chr10-71834505-G-A. GRCh37 (hg19) VCF-style: chr10-73594262-G-A.
Other names: c.41C>T, p.Ala14Val (NM_001042465.3, NM_001042466.3); short protein forms A14V.
Identifiers: ClinVar variation 989891 (VCV000989891.2), dbSNP rs1842584616, ClinGen allele CA377156411.

ClinVar aggregate classification (germline): Uncertain significance. Review status: criteria provided, single submitter (1 of 4 stars). 2 submissions from 2 submitters: Uncertain significance (1). 1 of the submissions does not count toward it. Last evaluated 2026-01-13.

Conditions:
Metachromatic leukodystrophy (MLD). Also called: Arylsulfatase A Deficiency; SULFATIDE LIPIDOSIS; ARSA DEFICIENCY; CEREBROSIDE SULFATASE DEFICIENCY; Cerebral sclerosis diffuse metachromatic form; METACHROMATIC LEUKOENCEPHALOPATHY. Identifiers: Orphanet 512, MedGen C0023522, MONDO:0018868, OMIM 250100.

Submissions (2):

Women's Health and Genetics/Laboratory Corporation of America, LabCorp
Classification: Uncertain significance. Last evaluated: 2026-01-13. Review status: criteria provided, single submitter. Criteria: LabCorp Variant Classification Summary - May 2015. Collection method: clinical testing. Allele origin: germline.
Comment: Variant summary: PSAP c.41C>T (p.Ala14Val) results in a non-conservative amino acid change in the encoded protein sequence. Algorithms developed to predict the effect of missense changes on protein structure and function are either unavailable or do not agree on the potential impact of this missense change. The variant was absent in 250176 control chromosomes. The available data on variant occurrences in the general population are insufficient to allow any conclusion about variant significance. To our knowledge, no occurrence of c.41C>T in individuals affected with PSAP-related conditions and no experimental evidence demonstrating its impact on protein function have been reported. ClinVar contains an entry for this variant (Variation ID: 989891). Based on the evidence outlined above, the variant was classified as uncertain significance.

Natera, Inc.
Classification: Uncertain significance for Metachromatic leukodystrophy. Last evaluated: 2020-04-11. Review status: no assertion criteria provided. Collection method: clinical testing. Allele origin: germline. Not counted in ClinVar's aggregate classification.